The following is an entry in ClinVar:

ClinVar aggregate classification (germline): Uncertain significance (1 of 4 stars; one submission).

gnomAD v4.1: 1 of 1,614,086 alleles (0.000062%); highest among the groups gnomAD compares: Non-Finnish European, 0.000085%; no homozygotes.

Submission:

Labcorp Genetics (formerly Invitae), Labcorp
Classification: Uncertain significance. Last evaluated: 2024-03-02. Review status: criteria provided, single submitter. Criteria: Invitae Variant Classification Sherloc (09022015). Collection method: clinical testing. Allele origin: germline.
Comment: This sequence change replaces proline, which is neutral and non-polar, with alanine, which is neutral and non-polar, at codon 968 of the ZMIZ1 protein (p.Pro968Ala). This variant is not present in population databases (gnomAD no frequency). This variant has not been reported in the literature in individuals affected with ZMIZ1-related conditions. Advanced modeling of protein sequence and biophysical properties (such as structural, functional, and spatial information, amino acid conservation, physicochemical variation, residue mobility, and thermodynamic stability) performed at Invitae indicates that this missense variant is not expected to disrupt ZMIZ1 protein function with a negative predictive value of 80%. In summary, the available evidence is currently insufficient to determine the role of this variant in disease. Therefore, it has been classified as a Variant of Uncertain Significance.

NM_020338.4(ZMIZ1):c.2902C>G (p.Pro968Ala)

Gene: ZMIZ1 (zinc finger MIZ-type containing 1; plus strand). Cytogenetic location: 10q22.3.
Variant type: single nucleotide variant.
Coding change: c.2902C>G on transcript NM_020338.4 (MANE Select); coding-DNA position 2902, C replaced by G.
Protein change: p.Pro968Ala; replaces proline 968 with alanine.
Molecular consequence: missense variant.
Genome position (GRCh38, 1-based): chr10:79,310,990, C>G. VCF-style: chr10-79310990-C-G. GRCh37 (hg19) VCF-style: chr10-81070747-C-G.
Other names: short protein forms P968A.
Identifiers: ClinVar variation 3672476 (VCV003672476.2).
Genomic context (GRCh38, chr10:79,310,990, plus strand): 5'-CACGCTGGCAGCTCTGACCAGCCCCACCCCTCCATACAACAAGGTTTGCACGTACCACAC[C>G]CCAGCAGCCAGTCAGGGCCTCCATTACATCACAGTGGGGCTCCTCCTCCTCCTCCTTCCC-3'
Protein context (NP_065071.1, residues 958-978): SIQQGLHVPH[Pro968Ala]SSQSGPPLHH